The following is an entry in ClinVar:

NM_001159699.2(FHL1):c.205-9G>C

Gene: FHL1 (four and a half LIM domains 1; plus strand). Cytogenetic location: Xq26.3.
Variant type: single nucleotide variant.
Coding change: c.205-9G>C on transcript NM_001159699.2 (MANE Select); 9 bases into the intron before coding-DNA position 205, G replaced by C.
Molecular consequence: intron variant.
Genome position (GRCh38, 1-based): chrX:136,207,007, G>C. VCF-style: chrX-136207007-G-C. GRCh37 (hg19) VCF-style: chrX-135289166-G-C.
Other names: c.157-9G>C (NM_001159702.3, NM_001449.5, NM_001159703.2 and 9 more transcripts); c.244-9G>C (NM_001159701.2); c.205-9G>C (NM_001330659.2).
Identifiers: ClinVar variation 513356 (VCV000513356.9), dbSNP rs1178092343, ClinGen allele CA658799872.

ClinVar aggregate classification (germline): Likely benign. Review status: criteria provided, multiple submitters, no conflicts (2 of 4 stars). 2 submissions from 2 submitters: Likely benign (2). Last evaluated 2025-01-07.

Conditions:
X-linked myopathy with postural muscle atrophy. Also called: FHL1-Related Emery-Dreifuss Muscular Dystrophy, X-Linked. Identifiers: Orphanet 178461, MedGen C2678055, MONDO:0010401, OMIM 300696.

Allele frequency attached by ClinVar (database versions not stated): gnomAD exomes 0.00001; gnomAD 0.00002; TOPMed 0.00002.
gnomAD v4.1: 8 of 1,208,681 alleles (0.00066%); highest among the groups gnomAD compares: Non-Finnish European, 0.00089%; no homozygotes.

Submissions (2):

Labcorp Genetics (formerly Invitae), Labcorp
Classification: Likely benign for X-linked myopathy with postural muscle atrophy. Last evaluated: 2025-01-07. Review status: criteria provided, single submitter. Criteria: Invitae Variant Classification Sherloc (09022015). Collection method: clinical testing. Allele origin: germline.

GeneDx
Classification: Likely benign. Last evaluated: 2017-11-10. Review status: criteria provided, single submitter. Criteria: GeneDx Variant Classification (06012015). Collection method: clinical testing. Allele origin: germline. Affected: yes.
Comment: This variant is considered likely benign or benign based on one or more of the following criteria: it is a conservative change, it occurs at a poorly conserved position in the protein, it is predicted to be benign by multiple in silico algorithms, and/or has population frequency not consistent with disease.